The following is an entry in ClinVar:

ClinVar aggregate classification (germline): Uncertain significance. Review status: criteria provided, multiple submitters, no conflicts (2 of 4 stars). 2 submissions from 2 submitters: Uncertain significance (2). Last evaluated 2025-10-06.

Conditions:
Hereditary cancer-predisposing syndrome. Also called: Neoplastic Syndromes, Hereditary; Tumor predisposition; Hereditary Cancer Syndrome; Hereditary neoplastic syndrome. Identifiers: Orphanet 140162, MedGen C0027672, MeSH D009386, MONDO:0015356.

Submissions (2):

Color Diagnostics, LLC DBA Color Health
Classification: Uncertain significance for Hereditary cancer-predisposing syndrome. Last evaluated: 2025-10-06. Review status: criteria provided, single submitter. Criteria: ACMG Guidelines, 2015. Collection method: clinical testing. Allele origin: germline.
Comment: This variant causes an A to C nucleotide substitution at the +4 position of intron 3 of the BRIP1 gene. Splice site prediction tools are inconclusive regarding the impact of this variant on RNA splicing. To our knowledge, RNA studies have not been reported for this variant. This variant has not been reported in individuals affected with BRIP1-related disorders in the literature. This variant has not been identified in the general population by the Genome Aggregation Database (gnomAD). The available evidence is insufficient to determine the role of this variant in disease conclusively. Therefore, this variant is classified as a Variant of Uncertain Significance.

Ambry Genetics
Classification: Uncertain significance for Hereditary cancer-predisposing syndrome. Last evaluated: 2025-01-06. Review status: criteria provided, single submitter. Criteria: Ambry Variant Classification Scheme 2023. Collection method: clinical testing. Allele origin: germline.
Comment: The c.205+4A>C intronic variant results from an A to C substitution 4 nucleotides after coding exon 2 in the BRIP1 gene. This nucleotide position is highly conserved in available vertebrate species. In silico splice site analysis for this alteration is inconclusive and direct evidence is insufficient at this time (Ambry internal data). Based on the available evidence, the clinical significance of this variant remains unclear.

NM_032043.3(BRIP1):c.205+4A>C

Gene: BRIP1 (BRCA1 interacting DNA helicase 1; minus strand). Cytogenetic location: 17q23.2.
Variant type: single nucleotide variant.
Coding change: c.205+4A>C on transcript NM_032043.3 (MANE Select); 4 bases into the intron after coding-DNA position 205, A replaced by C.
Molecular consequence: intron variant.
Genome position (GRCh38, 1-based): chr17:61,859,792, T>G on the plus strand (A>C on the coding strand, the complement: BRIP1 is on the minus strand). VCF-style: chr17-61859792-T-G. GRCh37 (hg19) VCF-style: chr17-59937153-T-G.
Identifiers: ClinVar variation 1785056 (VCV001785056.4), dbSNP rs1060501753, ClinGen allele CA2580094642.